The following is an entry in ClinVar:

NM_000256.3(MYBPC3):c.220G>A (p.Ala74Thr)

Gene: MYBPC3 (myosin binding protein C3; minus strand). Cytogenetic location: 11p11.2.
Variant type: single nucleotide variant.
Coding change: c.220G>A on transcript NM_000256.3 (MANE Select); coding-DNA position 220, G replaced by A.
Protein change: p.Ala74Thr; replaces alanine 74 with threonine.
Molecular consequence: missense variant.
Genome position (GRCh38, 1-based): chr11:47,351,311, C>T on the plus strand (G>A on the coding strand, the complement: MYBPC3 is on the minus strand). VCF-style: chr11-47351311-C-T. GRCh37 (hg19) VCF-style: chr11-47372862-C-T.
Other names: c.220G>A, p.Ala74Thr (LRG_386t1); short protein forms A74T.
Identifiers: ClinVar variation 454311 (VCV000454311.9), dbSNP rs1555123744, ClinGen allele CA380341692.

ClinVar aggregate classification (germline): Uncertain significance. Review status: criteria provided, multiple submitters, no conflicts (2 of 4 stars). 2 submissions from 2 submitters: Uncertain significance (2). Last evaluated 2025-02-20.

Conditions:
Hypertrophic cardiomyopathy. Also called: HYPERTROPHIC MYOCARDIOPATHY. Identifiers: Orphanet 217569, MedGen C0007194, MeSH D002312, MONDO:0005045, HP:0001639.

Allele frequency attached by ClinVar (database versions not stated): gnomAD exomes below 0.00001.
gnomAD v4.1: 1 of 1,580,692 alleles (0.000063%); highest among the groups gnomAD compares: Non-Finnish European, 0.000086%; no homozygotes.

Submissions (2):

Labcorp Genetics (formerly Invitae), Labcorp
Classification: Uncertain significance for Hypertrophic cardiomyopathy. Last evaluated: 2025-02-20. Review status: criteria provided, single submitter. Criteria: Invitae Variant Classification Sherloc (09022015). Collection method: clinical testing. Allele origin: germline.
Comment: This sequence change replaces alanine, which is neutral and non-polar, with threonine, which is neutral and polar, at codon 74 of the MYBPC3 protein (p.Ala74Thr). This variant is not present in population databases (gnomAD no frequency). This missense change has been observed in individual(s) with clinical features of MYBPC3-related conditions (internal data). ClinVar contains an entry for this variant (Variation ID: 454311). An algorithm developed to predict the effect of missense changes on protein structure and function outputs the following: PolyPhen-2: "Benign". The threonine amino acid residue is found in multiple mammalian species, which suggests that this missense change does not adversely affect protein function. In summary, the available evidence is currently insufficient to determine the role of this variant in disease. Therefore, it has been classified as a Variant of Uncertain Significance.

All of Us Research Program, National Institutes of Health
Classification: Uncertain significance for Hypertrophic cardiomyopathy. Last evaluated: 2023-04-27. Review status: criteria provided, single submitter. Criteria: ACMG Guidelines, 2015. Collection method: clinical testing. Allele origin: germline. Inheritance: Autosomal dominant inheritance. Observed: 1 variant allele, 1 heterozygote.
Comment: This study involves interpretation of variants in research participants for the purpose of population health screening. Participant phenotype was not available at the time of variant classification. Additional details can be found in publication PMID: 35346344, PMCID: PMC8962531